The following is an entry in ClinVar:

NM_006031.6(PCNT):c.307C>T (p.Gln103Ter)

Gene: PCNT (pericentrin; plus strand). Cytogenetic location: 21q22.3.
Variant type: single nucleotide variant.
Coding change: c.307C>T on transcript NM_006031.6 (MANE Select); coding-DNA position 307, C replaced by T.
Protein change: p.Gln103Ter; replaces glutamine 103 with a stop codon.
Molecular consequence: nonsense. On other transcripts: 5 prime UTR variant (1).
Genome position (GRCh38, 1-based): chr21:46,334,436, C>T. VCF-style: chr21-46334436-C-T. GRCh37 (hg19) VCF-style: chr21-47754350-C-T.
Other names: c.-48C>T (NM_001315529.2); short protein forms Q103*.
Identifiers: ClinVar variation 1459821 (VCV001459821.10), dbSNP rs1290073918, ClinGen allele CA410559294.

ClinVar aggregate classification (germline): Pathogenic. Review status: criteria provided, multiple submitters, no conflicts (2 of 4 stars). 3 submissions from 3 submitters: Pathogenic (2). 1 of the submissions does not count toward it. Last evaluated 2024-11-08.

Conditions:
PCNT-related disorder. Also called: PCNT-related condition.
Microcephalic osteodysplastic primordial dwarfism type II (MOPD2). Also called: MOPD II; Microcephalic osteodysplastic primordial dwarfism with tooth abnormalities; OSTEODYSPLASTIC PRIMORDIAL DWARFISM, TYPE II. Identifiers: Orphanet 2637, MedGen C0432246, MONDO:0008872, OMIM 210720.

Allele frequency attached by ClinVar (database versions not stated): gnomAD exomes below 0.00001 and 0.00001; gnomAD 0.00001; TOPMed 0.00001.
gnomAD v4.1: 3 of 1,614,124 alleles (0.00019%); highest among the groups gnomAD compares: Admixed American, 0.005%; no homozygotes.

Submissions (3):

Women's Health and Genetics/Laboratory Corporation of America, LabCorp
Classification: Pathogenic for Microcephalic osteodysplastic primordial dwarfism type II. Last evaluated: 2024-11-08. Review status: criteria provided, single submitter. Criteria: LabCorp Variant Classification Summary - May 2015. Collection method: clinical testing. Allele origin: germline.
Comment: Variant summary: PCNT c.307C>T (p.Gln103X) results in a premature termination codon, predicted to cause a truncation of the encoded protein or absence of the protein due to nonsense mediated decay, which are commonly known mechanisms for disease. The variant allele was found at a frequency of 8e-06 in 251486 control chromosomes. c.307C>T has been reported in the literature in at least one individual affected with Microcephalic Osteodysplastic Primordial Dwarfism Type II (Bober_2012). To our knowledge, no experimental evidence demonstrating an impact on protein function has been reported. The following publication has been ascertained in the context of this evaluation (PMID: 22821869). ClinVar contains an entry for this variant (Variation ID: 1459821). Based on the evidence outlined above, the variant was classified as pathogenic.

Labcorp Genetics (formerly Invitae), Labcorp
Classification: Pathogenic. Last evaluated: 2024-04-06. Review status: criteria provided, single submitter. Criteria: Invitae Variant Classification Sherloc (09022015). Collection method: clinical testing. Allele origin: germline.
Comment: This sequence change creates a premature translational stop signal (p.Gln103*) in the PCNT gene. It is expected to result in an absent or disrupted protein product. Loss-of-function variants in PCNT are known to be pathogenic (PMID: 18174396, 22821869). This variant is present in population databases (no rsID available, gnomAD 0.006%). This premature translational stop signal has been observed in individual(s) with microcephalic osteodysplastic primordial dwarfism type II (PMID: 22821869). ClinVar contains an entry for this variant (Variation ID: 1459821). For these reasons, this variant has been classified as Pathogenic.

PreventionGenetics, part of Exact Sciences
Classification: Pathogenic for PCNT-related condition. Last evaluated: 2024-05-31. Review status: no assertion criteria provided. Collection method: clinical testing. Allele origin: germline. Not counted in ClinVar's aggregate classification.
Comment: The PCNT c.307C>T variant is predicted to result in premature protein termination (p.Gln103*). This variant has been reported to be causative for autosomal recessive microcephalic osteodysplastic primordial dwarfism type 2 (Supplemental eTable I, Bober et al. 2012. PubMed ID: 22821869). This variant is reported in 0.0058% of alleles in individuals of Latino descent in gnomAD. Nonsense variants in PCNT are expected to be pathogenic. This variant is interpreted as pathogenic.

Literature cited by the submitters: PubMed 22821869 (cited by Women's Health and Genetics/Laboratory Corporation of America, LabCorp and Labcorp Genetics (formerly Invitae), Labcorp); PubMed 18174396 (cited by Labcorp Genetics (formerly Invitae), Labcorp).